The following is an entry in ClinVar:

ClinVar aggregate classification (germline): Pathogenic (1 of 4 stars; one submission).

Conditions:
Diamond-Blackfan anemia 5 (DBA5). Also called: RPL35A-Related Diamond-Blackfan Anemia. Identifiers: Orphanet 124, MedGen C2675859, MONDO:0012925, OMIM 612528.

Submission:

Labcorp Genetics (formerly Invitae), Labcorp
Classification: Pathogenic for Diamond-Blackfan anemia 5. Last evaluated: 2017-04-07. Review status: criteria provided, single submitter. Criteria: Invitae Variant Classification Sherloc (09022015). Collection method: clinical testing. Allele origin: germline.
Comment: A gross deletion of the genomic region encompassing the full coding sequence of the RPL35A gene has been identified. The boundaries of this event are unknown as the deletion extends beyond the assayed region for this gene and therefore may encompass additional genes. Loss-of-function variants in RPL35A are known to be pathogenic. Deletions of the entire gene have been reported in the literature in individuals affected with Diamond-Blackfan anemia (PMID: 18535205, 22262766, 22689679). For these reasons, this variant has been classified as Pathogenic.

NC_000003.12:g.(?_197950962)_(197955779_?)del

Genes: DRC9 (dynein regulatory complex subunit 9; minus strand), RPL35A (ribosomal protein L35a; plus strand). Cytogenetic location: 3q29.
Variant type: Deletion.
Identifiers: ClinVar variation 469500 (VCV000469500.1).